The following is an entry in ClinVar:

ClinVar aggregate classification (germline): Pathogenic (1 of 4 stars; one submission).

Submission:

Labcorp Genetics (formerly Invitae), Labcorp
Classification: Pathogenic. Last evaluated: 2023-10-15. Review status: criteria provided, single submitter. Criteria: Invitae Variant Classification Sherloc (09022015). Collection method: clinical testing. Allele origin: germline.
Comment: This sequence change creates a premature translational stop signal (p.His252Glnfs*49) in the MYO15A gene. It is expected to result in an absent or disrupted protein product. Loss-of-function variants in MYO15A are known to be pathogenic (PMID: 17546645). This variant is not present in population databases (gnomAD no frequency). This variant has not been reported in the literature in individuals affected with MYO15A-related conditions. For these reasons, this variant has been classified as Pathogenic.

Literature cited by the submitters: PubMed 17546645.

NM_016239.4(MYO15A):c.755dup (p.His252fs)

Gene: MYO15A (myosin XVA; plus strand). Cytogenetic location: 17p11.2.
Variant type: Duplication.
Coding change: c.755dup on transcript NM_016239.4 (MANE Select); coding-DNA position 755, one base duplicated (A; older notation c.755dupA).
Protein change: p.His252fs; shifts the reading frame from histidine 252.
Molecular consequence: frameshift variant.
Genome position (GRCh38, 1-based): chr17:18,119,555, A duplicated. VCF-style (leftmost placement, unchanged base first): chr17-18119554-C-CA. GRCh37 (hg19) VCF-style: chr17-18022868-C-CA.
Other names: short protein forms H252fs.
Identifiers: ClinVar variation 2765433 (VCV002765433.3), dbSNP rs2545176206, ClinGen allele CA2697559446.